The following is an entry in ClinVar:

NM_015158.5(KANK1):c.1909G>A (p.Val637Met)

Gene: KANK1 (KN motif and ankyrin repeat domains 1; plus strand). Cytogenetic location: 9p24.3.
Variant type: single nucleotide variant.
Coding change: c.1909G>A on transcript NM_015158.5 (MANE Select); coding-DNA position 1909, G replaced by A.
Protein change: p.Val637Met; replaces valine 637 with methionine.
Molecular consequence: missense variant. On other transcripts: non-coding transcript variant (1).
Genome position (GRCh38, 1-based): chr9:712,675, G>A. VCF-style: chr9-712675-G-A. GRCh37 (hg19) VCF-style: chr9-712675-G-A.
Other names: c.1909G>A (NM_015158.2); c.1909G>A, p.Val637Met (NM_001256876.3, NM_001256877.3, NM_001354331.2 and 2 more transcripts); c.1435G>A, p.Val479Met (NM_001354333.2, NM_001354335.2, NM_001354336.2 and 9 more transcripts); short protein forms V637M, V479M.
Identifiers: ClinVar variation 1478990 (VCV001478990.8), dbSNP rs147261175, ClinGen allele CA4960360.

ClinVar aggregate classification (germline): Conflicting classifications of pathogenicity. Review status: criteria provided, conflicting classifications (1 of 4 stars). 3 submissions from 3 submitters: Uncertain significance (2); Likely benign (1). Last evaluated 2025-08-27.

Conditions:
Cerebral palsy, spastic quadriplegic, 2 (CPSQ2). Identifiers: Orphanet 210141, MedGen C2752061, MONDO:0013033, OMIM 612900.

Allele frequency attached by ClinVar (database versions not stated): ExAC 0.00001; gnomAD exomes 0.00001 and 0.00004; TOPMed 0.00005; gnomAD 0.00007; ESP Exome Variant Server 0.00008.
gnomAD v4.1: 30 of 1,614,018 alleles (0.0019%); highest among the groups gnomAD compares: African/African-American, 0.019%; no homozygotes.

Submissions (3):

Ambry Genetics
Classification: Likely benign. Last evaluated: 2025-08-27. Review status: criteria provided, single submitter. Criteria: Ambry Variant Classification Scheme 2023. Collection method: clinical testing. Allele origin: germline.

Labcorp Genetics (formerly Invitae), Labcorp
Classification: Uncertain significance. Last evaluated: 2024-05-16. Review status: criteria provided, single submitter. Criteria: Invitae Variant Classification Sherloc (09022015). Collection method: clinical testing. Allele origin: germline.
Comment: This sequence change replaces valine, which is neutral and non-polar, with methionine, which is neutral and non-polar, at codon 637 of the KANK1 protein (p.Val637Met). This variant is present in population databases (rs147261175, gnomAD 0.03%). This variant has not been reported in the literature in individuals affected with KANK1-related conditions. ClinVar contains an entry for this variant (Variation ID: 1478990). Advanced modeling of protein sequence and biophysical properties (such as structural, functional, and spatial information, amino acid conservation, physicochemical variation, residue mobility, and thermodynamic stability) has been performed at Invitae for this missense variant, however the output from this modeling did not meet the statistical confidence thresholds required to predict the impact of this variant on KANK1 protein function. In summary, the available evidence is currently insufficient to determine the role of this variant in disease. Therefore, it has been classified as a Variant of Uncertain Significance.

Fulgent Genetics
Classification: Uncertain significance for Cerebral palsy, spastic quadriplegic, 2. Last evaluated: 2022-05-10. Review status: criteria provided, single submitter. Criteria: ACMG Guidelines, 2015. Collection method: clinical testing. Allele origin: unknown.